The following is an entry in ClinVar:

ClinVar aggregate classification (germline): Uncertain significance (1 of 4 stars; one submission).

Conditions:
Hereditary cancer-predisposing syndrome. Also called: Hereditary neoplastic syndrome; Neoplastic Syndromes, Hereditary; Tumor predisposition; Hereditary Cancer Syndrome. Identifiers: Orphanet 140162, MedGen C0027672, MeSH D009386, MONDO:0015356.

Submission:

Ambry Genetics
Classification: Uncertain significance for Hereditary cancer-predisposing syndrome. Last evaluated: 2025-08-27. Review status: criteria provided, single submitter. Criteria: Ambry Variant Classification Scheme 2023. Collection method: clinical testing. Allele origin: germline.
Comment: The p.V75L variant (also known as c.223G>C), located in coding exon 3 of the MUTYH gene, results from a G to C substitution at nucleotide position 223. The valine at codon 75 is replaced by leucine, an amino acid with highly similar properties. This amino acid position is conserved. In addition, this alteration is predicted to be tolerated by in silico analysis. Based on the available evidence, the clinical significance of this variant remains unclear.

NM_001048174.2(MUTYH):c.139G>C (p.Val47Leu)

Gene: MUTYH (mutY DNA glycosylase; minus strand). Cytogenetic location: 1p34.1.
Variant type: single nucleotide variant.
Coding change: c.139G>C on transcript NM_001048174.2 (MANE Select); coding-DNA position 139, G replaced by C.
Protein change: p.Val47Leu; replaces valine 47 with leucine.
Molecular consequence: missense variant. On other transcripts: intron variant (5), non-coding transcript variant (5), 5 prime UTR variant (1).
Genome position (GRCh38, 1-based): chr1:45,333,538, C>G on the plus strand (G>C on the coding strand, the complement: MUTYH is on the minus strand). VCF-style: chr1-45333538-C-G. GRCh37 (hg19) VCF-style: chr1-45799210-C-G.
Other names: c.214G>C, p.Val72Leu (NM_012222.3, NM_001407069.1); c.-92-41G>C (NM_001350651.2, NM_001407082.1); c.-97-41G>C (NM_001293192.2, NM_001293196.2, NM_001407091.1); c.139G>C, p.Val47Leu (NM_001048171.2, NM_001048173.2, NM_001293195.2 and 6 more transcripts); c.142G>C, p.Val48Leu (NM_001048172.2, NM_001407071.1, NM_001407078.1 and 2 more transcripts); c.223G>C, p.Val75Leu (NM_001128425.2); c.184G>C, p.Val62Leu (NM_001293190.2); c.172G>C, p.Val58Leu (NM_001293191.2, NM_001407077.1); and 4 more; short protein forms V19L, V48L, V62L, V47L, V61L, V75L, V54L, V58L.
Identifiers: ClinVar variation 4113521 (VCV004113521.1).